The following is an entry in ClinVar:

NM_004360.5(CDH1):c.1593C>T (p.Asn531=)

Gene: CDH1 (cadherin 1; plus strand). Cytogenetic location: 16q22.1.
Variant type: single nucleotide variant.
Coding change: c.1593C>T on transcript NM_004360.5 (MANE Select); coding-DNA position 1593, C replaced by T.
Protein change: p.Asn531=; no amino-acid change (asparagine 531 retained).
Molecular consequence: synonymous variant. On other transcripts: intron variant (1).
Genome position (GRCh38, 1-based): chr16:68,819,307, C>T. VCF-style: chr16-68819307-C-T. GRCh37 (hg19) VCF-style: chr16-68853210-C-T.
Other names: c.1410C>T, p.Asn470= (NM_001317184.2); c.45C>T, p.Asn15= (NM_001317185.2); c.-254-2694C>T (NM_001317186.2).
Identifiers: ClinVar variation 759554 (VCV000759554.14), dbSNP rs1596960362, ClinGen allele CA496154317.

ClinVar aggregate classification (germline): Benign/Likely benign. Review status: criteria provided, multiple submitters, no conflicts (2 of 4 stars). 4 submissions from 4 submitters: Benign (1); Likely benign (3). Last evaluated 2026-01-19.

Conditions:
Hereditary cancer-predisposing syndrome. Also called: Tumor predisposition; Hereditary Cancer Syndrome; Neoplastic Syndromes, Hereditary; Hereditary neoplastic syndrome. Identifiers: Orphanet 140162, MedGen C0027672, MeSH D009386, MONDO:0015356.
Hereditary diffuse gastric adenocarcinoma (HDGC). Also called: DIFFUSE GASTRIC AND LOBULAR BREAST CANCER SYNDROME. Identifiers: Orphanet 26106, MedGen C1708349, MONDO:0007648, OMIM 137215.

gnomAD v4.1: 1 of 1,614,242 alleles (0.000062%); highest among the groups gnomAD compares: Non-Finnish European, 0.000085%; no homozygotes.

Submissions (4):

Labcorp Genetics (formerly Invitae), Labcorp
Classification: Likely benign for Hereditary diffuse gastric adenocarcinoma. Last evaluated: 2026-01-19. Review status: criteria provided, single submitter. Criteria: Invitae Variant Classification Sherloc (09022015). Collection method: clinical testing. Allele origin: germline.

Myriad Genetics, Inc.
Classification: Benign for Hereditary diffuse gastric adenocarcinoma. Last evaluated: 2024-09-19. Review status: criteria provided, single submitter. Criteria: Myriad Autosomal Dominant, Autosomal Recessive and X-Linked Classification Criteria (2023). Collection method: clinical testing. Allele origin: unknown.
Comment: This variant is considered benign. This variant is a silent/synonymous amino acid change and it is not expected to impact splicing.

Ambry Genetics
Classification: Likely benign for Hereditary cancer-predisposing syndrome. Last evaluated: 2020-02-17. Review status: criteria provided, single submitter. Criteria: Ambry Variant Classification Scheme 2023. Collection method: clinical testing. Allele origin: germline.

GeneDx
Classification: Likely benign. Last evaluated: 2019-10-08. Review status: criteria provided, single submitter. Criteria: GeneDx Variant Classification Process June 2021. Collection method: clinical testing. Allele origin: germline. Affected: yes.